The following is an entry in ClinVar:

NM_152672.6(SLC51A):c.135C>T (p.Ala45=)

Gene: SLC51A (solute carrier family 51 member A; plus strand). Cytogenetic location: 3q29.
Variant type: single nucleotide variant.
Coding change: c.135C>T on transcript NM_152672.6 (MANE Select); coding-DNA position 135, C replaced by T.
Protein change: p.Ala45=; no amino-acid change (alanine 45 retained).
Molecular consequence: synonymous variant.
Genome position (GRCh38, 1-based): chr3:196,226,966, C>T. VCF-style: chr3-196226966-C-T. GRCh37 (hg19) VCF-style: chr3-195953837-C-T.
Identifiers: ClinVar variation 3041084 (VCV003041084.2), dbSNP rs140837522, ClinGen allele CA2778949.
Genomic context (GRCh38, chr3:196,226,966, plus strand): 5'-AGCCCAGGCCTTCTCCCGCTCAGTCCCGGTCGTCAGCTCTCTGCCTTCTCCTCCTCTAGC[C>T]CTGGGCCCTGTGGAACTTGCCCTCACTAGCATCCTGACCTTGCTGGCGCTGGGCTCCATT-3'
Protein context (NP_689885.4, residues 35-55): QPPTAAQLLR[Ala45=]LGPVELALTS

ClinVar aggregate classification (germline): Likely benign (0 of 4 stars; one submission).

Conditions:
SLC51A-related disorder. Also called: SLC51A-related condition.

Allele frequency attached by ClinVar (database versions not stated): gnomAD exomes 0.00006; ExAC 0.00026; gnomAD 0.00060; TOPMed 0.00075; 1000 Genomes Project 0.00100; 1000 Genomes Project 30x 0.00109; ESP Exome Variant Server 0.00115.
gnomAD v4.1: 188 of 1,612,618 alleles (0.012%); highest among the groups gnomAD compares: African/African-American, 0.22%; no homozygotes.

Submission:

PreventionGenetics, part of Exact Sciences
Classification: Likely benign for SLC51A-related condition. Last evaluated: 2021-12-03. Review status: no assertion criteria provided. Collection method: clinical testing. Allele origin: germline.
Comment: This variant is classified as likely benign based on ACMG/AMP sequence variant interpretation guidelines (Richards et al. 2015 PMID: 25741868, with internal and published modifications).